The following is an entry in ClinVar:

NM_012082.4(ZFPM2):c.664C>T (p.Arg222Cys)

Genes: ZFPM2 (zinc finger protein, FOG family member 2; plus strand), ZFPM2-AS1 (ZFPM2 antisense RNA 1; minus strand). Cytogenetic location: 8q23.1.
Variant type: single nucleotide variant.
Coding change: c.664C>T on transcript NM_012082.4 (MANE Select); coding-DNA position 664, C replaced by T.
Protein change: p.Arg222Cys; replaces arginine 222 with cysteine.
Molecular consequence: missense variant.
Genome position (GRCh38, 1-based): chr8:105,788,849, C>T. VCF-style: chr8-105788849-C-T. GRCh37 (hg19) VCF-style: chr8-106801077-C-T.
Other names: c.505C>T, p.Arg169Cys (NM_001362836.2); c.268C>T, p.Arg90Cys (NM_001362837.2); short protein forms R169C, R222C, R90C.
Identifiers: ClinVar variation 1008833 (VCV001008833.6), dbSNP rs373471482, ClinGen allele CA4839584.

ClinVar aggregate classification (germline): Uncertain significance (1 of 4 stars; one submission).

Conditions:
46,XY sex reversal 9 (SRXY9). Also called: 46,XY SEX REVERSAL, ZFPM2-RELATED. Identifiers: Orphanet 251510, MedGen C4015129, MONDO:0014480, OMIM 616067.

Allele frequency attached by ClinVar (database versions not stated): gnomAD 0.00003 and 0.00004; gnomAD exomes 0.00006; TOPMed 0.00006; ExAC 0.00007; 1000 Genomes Project 30x 0.00016; ESP Exome Variant Server 0.00016; 1000 Genomes Project 0.00020.
gnomAD v4.1: 88 of 1,613,906 alleles (0.0055%); highest among the groups gnomAD compares: Non-Finnish European, 0.0065%; no homozygotes.

Submission:

Labcorp Genetics (formerly Invitae), Labcorp
Classification: Uncertain significance for 46,XY sex reversal 9. Last evaluated: 2021-08-28. Review status: criteria provided, single submitter. Criteria: Invitae Variant Classification Sherloc (09022015). Collection method: clinical testing. Allele origin: germline.
Comment: This sequence change replaces arginine with cysteine at codon 222 of the ZFPM2 protein (p.Arg222Cys). The arginine residue is highly conserved and there is a large physicochemical difference between arginine and cysteine. This variant is present in population databases (rs373471482, ExAC 0.02%), and has an allele count higher than expected for a pathogenic variant (PMID: 28166811). This variant has not been reported in the literature in individuals affected with ZFPM2-related conditions. Algorithms developed to predict the effect of missense changes on protein structure and function are either unavailable or do not agree on the potential impact of this missense change (SIFT: "Deleterious"; PolyPhen-2: "Probably Damaging"; Align-GVGD: "Class C0"). In summary, the available evidence is currently insufficient to determine the role of this variant in disease. Therefore, it has been classified as a Variant of Uncertain Significance.

Literature cited by the submitters: PubMed 28166811.